The following is an entry in ClinVar:

ClinVar aggregate classification (germline): Benign. Review status: criteria provided, multiple submitters, no conflicts (2 of 4 stars). 3 submissions from 3 submitters: Benign (3). Last evaluated 2024-01-24.

Allele frequency attached by ClinVar (database versions not stated): 1000 Genomes Project 30x 0.75234; 1000 Genomes Project 0.75417; ESP Exome Variant Server 0.66333; TOPMed 0.68396.

Submissions (3):

Unidad de Genómica Garrahan, Hospital de Pediatría Garrahan
Classification: Benign. Last evaluated: 2024-01-24. Review status: criteria provided, single submitter. Criteria: ACMG Guidelines, 2015. Collection method: clinical testing. Allele origin: germline. Affected: no. Observed: 26 variant alleles.
Comment: This variant is classified as Benign based on local population frequency. This variant was detected in 27% of patients studied by a panel of primary immunodeficiencies. Number of patients: 26. Only high quality variants are reported.

GeneDx
Classification: Benign. Last evaluated: 2018-07-03. Review status: criteria provided, single submitter. Criteria: GeneDx Variant Classification Process June 2021. Collection method: clinical testing. Allele origin: germline. Affected: yes.

Breakthrough Genomics
Classification: Benign. Review status: criteria provided, single submitter. Criteria: ACMG Guidelines, 2015. Collection method: not provided. Allele origin: germline. Inheritance: X-linked inheritance. Affected: yes.

NM_001291415.2(KDM6A):c.335-70C>A

Gene: KDM6A (lysine demethylase 6A; plus strand). Cytogenetic location: Xp11.3.
Variant type: single nucleotide variant.
Coding change: c.335-70C>A on transcript NM_001291415.2 (MANE Select); 70 bases into the intron before coding-DNA position 335, C replaced by A.
Molecular consequence: intron variant.
Genome position (GRCh38, 1-based): chrX:44,974,596, C>A. VCF-style: chrX-44974596-C-A. GRCh37 (hg19) VCF-style: chrX-44833841-C-A.
Other names: c.335-70C>A (NM_021140.4, NM_001291416.2, NM_001291417.2 and 1 more transcripts); c.-298-70C>A (NM_001291421.2).
Identifiers: ClinVar variation 1244443 (VCV001244443.5), dbSNP rs6611055, ClinGen allele CA329563681.
Genomic context (GRCh38, chrX:44,974,596, plus strand): 5'-GTTGTTTGGTCTGAAATATCACTATCTACTGGGAGGTGGGTGTGGTGGGAATCTTGTTAC[C>A]GTGTTTGTTAAGTGTATTATTGACTTTAAAGTGAGACATAATTATGACTCATAATTATTT-3'